The following is an entry in ClinVar:

NM_001289808.2(CRYAB):c.187A>G (p.Thr63Ala)

Gene: CRYAB (crystallin alpha B; minus strand). Cytogenetic location: 11q23.1.
Variant type: single nucleotide variant.
Coding change: c.187A>G on transcript NM_001289808.2 (MANE Select); coding-DNA position 187, A replaced by G.
Protein change: p.Thr63Ala; replaces threonine 63 with alanine.
Molecular consequence: missense variant.
Genome position (GRCh38, 1-based): chr11:111,911,538, T>C on the plus strand (A>G on the coding strand, the complement: CRYAB is on the minus strand). VCF-style: chr11-111911538-T-C. GRCh37 (hg19) VCF-style: chr11-111782262-T-C.
Other names: c.187A>G, p.Thr63Ala (NM_001289807.1, NM_001368245.1, NM_001885.3); short protein forms T63A.
Identifiers: ClinVar variation 1386754 (VCV001386754.8), dbSNP rs375886627, ClinGen allele CA228546353.

ClinVar aggregate classification (germline): Uncertain significance. Review status: criteria provided, multiple submitters, no conflicts (2 of 4 stars). 2 submissions from 2 submitters: Uncertain significance (2). Last evaluated 2024-01-04.

Conditions:
Cardiovascular phenotype. Identifiers: MedGen CN230736.
Dilated cardiomyopathy 1II (CMD1II). Identifiers: Orphanet 154, MedGen C3554649, MONDO:0014073, OMIM 615184.

Allele frequency attached by ClinVar (database versions not stated): gnomAD exomes 0.00001; ESP Exome Variant Server 0.00008.
gnomAD v4.1: 9 of 1,611,022 alleles (0.00056%); highest among the groups gnomAD compares: African/African-American, 0.0013%; no homozygotes.

Submissions (2):

Labcorp Genetics (formerly Invitae), Labcorp
Classification: Uncertain significance for Dilated cardiomyopathy 1II. Last evaluated: 2024-01-04. Review status: criteria provided, single submitter. Criteria: Invitae Variant Classification Sherloc (09022015). Collection method: clinical testing. Allele origin: germline.
Comment: This sequence change replaces threonine, which is neutral and polar, with alanine, which is neutral and non-polar, at codon 63 of the CRYAB protein (p.Thr63Ala). This variant is not present in population databases (gnomAD no frequency). This variant has not been reported in the literature in individuals affected with CRYAB-related conditions. ClinVar contains an entry for this variant (Variation ID: 1386754). An algorithm developed to predict the effect of missense changes on protein structure and function (PolyPhen-2) suggests that this variant is likely to be tolerated. In summary, the available evidence is currently insufficient to determine the role of this variant in disease. Therefore, it has been classified as a Variant of Uncertain Significance.

Ambry Genetics
Classification: Uncertain significance for Cardiovascular phenotype. Last evaluated: 2023-07-12. Review status: criteria provided, single submitter. Criteria: Ambry Variant Classification Scheme 2023. Collection method: clinical testing. Allele origin: germline.